The following is an entry in ClinVar:

ClinVar aggregate classification (germline): Conflicting classifications of pathogenicity. Review status: criteria provided, conflicting classifications (1 of 4 stars). 24 submissions from 24 submitters: Likely pathogenic (7); Uncertain significance (13). 4 of the submissions do not count toward it. Last evaluated 2026-03-18.

Conditions:
CHEK2-related disorder.
Carcinoma of colon (CRC). Also called: Colon carcinoma; Colonic carcinoma. Identifiers: MedGen C0699790, MONDO:0002032.
Familial cancer of breast. Also called: Hereditary breast cancer; hereditary breast carcinoma; BREAST CANCER, FAMILIAL. Identifiers: Orphanet 227535, MedGen C0346153, MONDO:0016419, OMIM 114480. Disease mechanism: loss of function.
Lung carcinoma. Identifiers: MedGen C0684249, MONDO:0005138.
Prostate cancer. Also called: Malignant tumor of prostate. Identifiers: Orphanet 1331, MedGen C0376358, MONDO:0008315, HP:0012125.
CHEK2-related cancer predisposition (TPDS4). Also called: TUMOR PREDISPOSITION SYNDROME 4; CANCER PREDISPOSITION SYNDROME, CHEK2-RELATED; CHEK2-related cancer susceptibility. Identifiers: Orphanet 524, MedGen C5882668, MONDO:0700271, OMIM 609265.
Bone osteosarcoma. Also called: Osteosarcoma, somatic. Identifiers: Orphanet 668, MedGen C0585442, MONDO:0002629, OMIM 259500.
Hereditary cancer-predisposing syndrome. Also called: Tumor predisposition; Hereditary neoplastic syndrome; Neoplastic Syndromes, Hereditary; Hereditary Cancer Syndrome. Identifiers: Orphanet 140162, MedGen C0027672, MeSH D009386, MONDO:0015356.

Allele frequency attached by ClinVar (database versions not stated): ExAC 0.00001; gnomAD 0.00001; gnomAD exomes 0.00002; TOPMed 0.00002; 1000 Genomes Project 30x 0.00016; 1000 Genomes Project 0.00020.
gnomAD v4.1: 32 of 1,595,950 alleles (0.002%); highest among the groups gnomAD compares: Admixed American, 0.005%; no homozygotes.

Submissions 1 to 6 of 24:

Dasa
Classification: Uncertain significance for TUMOR PREDISPOSITION SYNDROME 4. Last evaluated: 2026-03-18. Review status: criteria provided, single submitter. Criteria: DASA Assertion Criteria. Collection method: clinical testing. Allele origin: germline.
Comment: NM_007194.4(CHEK2):c.1420C>T (p.Arg474Cys) is a missense variant that results in the substitution of arginine with cysteine. Functional evidence supports an impact on the gene or gene product (PMID: 37449874; PMID: 30851065; PMID: 19782031; PMID: 22138346; PMID: 30426508). Also, this variant is rare in population databases. Computational prediction algorithms are consistent with a deleterious effect. The currently available literature and clinical evidence are not sufficient to establish a definitive association between this variant and the reported condition. Therefore, this variant is classified as a variant of uncertain significance.

PreventionGenetics, part of Exact Sciences
Classification: Likely pathogenic for CHEK2-related condition. Last evaluated: 2026-03-18. Review status: criteria provided, single submitter. Criteria: ACMG Guidelines, 2015. Collection method: clinical testing. Allele origin: germline.
Comment: The CHEK2 c.1420C>T variant is predicted to result in the amino acid substitution p.Arg474Cys. This variant has been reported in individuals with suspected Lynch syndrome/hereditary colorectal cancer, prostate cancer, or breast cancer (Yurgelun et al. 2015. PubMed ID: 25980754; Supplementary Data 1, Momozawa et al. 2018. PubMed ID: 30287823; Schubert et al. 2018. PubMed ID: 30426508; Wu et al. 2018. PubMed ID: 29520813; Supplemental Table 5, Fujita et al. 2020. PubMed ID: 33309985). This variant has also been reported in the homozygous state in a pair of siblings with multiple primary lung cancer with accompanying cancers in other organs (Kukita et al. 2016. PubMed ID: 27900359). Functional studies have shown that this variant impacts protein function (Kukita et al. 2016. PubMed ID: 27900359; Delimitso et al. 2019. PubMed ID: 30851065). This variant is reported in 0.0029% of alleles in individuals of Latino descent in gnomAD and has conflicting interpretations in ClinVar ranging from likely pathogenic to uncertain significance (Variation ID: 128059). This variant is interpreted as likely pathogenic.

Labcorp Genetics (formerly Invitae), Labcorp
Classification: Uncertain significance for Familial cancer of breast. Last evaluated: 2026-01-25. Review status: criteria provided, single submitter. Criteria: Invitae Variant Classification Sherloc (09022015). Collection method: clinical testing. Allele origin: germline.
Comment: This sequence change replaces arginine, which is basic and polar, with cysteine, which is neutral and slightly polar, at codon 474 of the CHEK2 protein (p.Arg474Cys). This variant is present in population databases (rs540635787, gnomAD 0.003%). This missense change has been observed in individual(s) with breast cancer, lung cancer, Lynch syndrome-associated cancer(s), and/or prostate cancer (PMID: 25980754, 27900359, 28580595, 29520813, 30287823, 30426508, 33309985). This variant is also known as c.1549C>T (p.Arg517Cys). ClinVar contains an entry for this variant (Variation ID: 128059). An algorithm developed to predict the effect of missense changes on protein structure and function (PolyPhen-2) suggests that this variant is likely to be disruptive. Experimental studies have shown that this missense change affects CHEK2 function (PMID: 27900359, 30851065, 37449874). In summary, the available evidence is currently insufficient to determine the role of this variant in disease. Therefore, it has been classified as a Variant of Uncertain Significance.

GeneDx
Classification: Likely pathogenic. Last evaluated: 2026-01-13. Review status: criteria provided, single submitter. Criteria: GeneDx Variant Classification Process June 2021. Collection method: clinical testing. Allele origin: germline. Affected: yes.
Comment: Published functional studies demonstrate a damaging effect: decreased CHEK2 protein expression and impaired kinase activity (PMID: 27900359, 30851065, 37449874); Not observed at significant frequency in large population cohorts (gnomAD); In silico analysis supports that this missense variant has a deleterious effect on protein structure/function; This variant is associated with the following publications: (PMID: 25980754, 26506619, 22138346, 26094658, 19782031, 27900359, 29522266, 29520813, 28580595, 30426508, 29731985, 30851065, 30287823, 30858171, 31398194, 31159747, 33309985, 36061833, 34991090, 35661486, 32980694, 33471991, 36243179, 22419737, 37449874, 38476463, 40403485)

Women's Health and Genetics/Laboratory Corporation of America, LabCorp
Classification: Uncertain significance. Last evaluated: 2025-09-23. Review status: criteria provided, single submitter. Criteria: LabCorp Variant Classification Summary - May 2015. Collection method: clinical testing. Allele origin: germline.
Comment: Variant summary: CHEK2 c.1420C>T (p.Arg474Cys) results in a non-conservative amino acid change located in the protein kinase-like domain of the encoded protein sequence. Algorithms developed to predict the effect of missense changes on protein structure and function all suggest that this variant is likely to be disruptive. The variant allele was found at a frequency of 1.7e-05 in 233784 control chromosomes. c.1420C>T has been observed in individuals affected with a variety of cancer types such as colorectal cancer, prostate cancer, breast cancer, endometrial canrer, and lung cancer (Kukita_2016, Wu_2016, Schubert_2019, Kazanci_2024, Alonso_2023, Witt_2025), including two homozygous siblings and one unrelated individual who experienced multiple primary lung cancers as well as cancers in other organs (Kukita_2016, Hinic_2024). These data indicate that the variant may be associated with disease. Several publications report experimental evidence evaluating an impact on protein function and the most pronounced variant effect results in 10%-<30% of normal activity (Stolarova_2023, Delimitsou_2019). Kukita_2016 also found the variant expression protein did not increase nor activate in response to UV damage. The following publications have been ascertained in the context of this evaluation (PMID: 30851065, 33471991, 38362852, 39356959, 27900359, 30287823, 30426508, 37449874, 29520813, 25980754, 38476463, 40403485). ClinVar contains an entry for this variant (Variation ID: 128059). Based on the evidence outlined above, the variant was classified as VUS-possibly pathogenic.

Ambry Genetics
Classification: Likely pathogenic for Hereditary cancer-predisposing syndrome. Last evaluated: 2025-09-19. Review status: criteria provided, single submitter. Criteria: Ambry Variant Classification Scheme 2023. Collection method: clinical testing. Allele origin: germline.
Comment: The p.R474C variant (also known as c.1420C>T), located in coding exon 12 of the CHEK2 gene, results from a C to T substitution at nucleotide position 1420. The arginine at codon 474 is replaced by cysteine, an amino acid with highly dissimilar properties. This alteration has been detected in the homozygous state in siblings with multiple primary lung cancers; the sister was also affected with breast cancer and uterine myoma and the brother was also affected with prostate and colon cancers (Kukita Y et al Cold Spring Harb. Mol. Case Stud. 2016 Nov;2(6):a001032). In addition, this alteration has been reported in the heterozygous state in multiple cohorts of affected patients with various tumor types (Wu Y et al. Prostate. 2018 Jun;78(8):607-615; Momozawa Y et al. Nat Commun, 2018 Oct;9:4083; Schubert S et al. Int. J. Cancer 2019 06;144(11):2683-2694; Xie Y et al. Clin. Genet. 2018 Jan;93(1):41-51; Tsaousis GN et al. BMC Cancer 2019 Jun;19(1):535; Dorling et al. N Engl J Med. 2021 02;384:428-439; Aksoy F et al. Hum Hered, 2022 Jan;:). This variant was predicted to be deleterious in a cohort of individuals with known personal and family cancer histories (external communication). This alteration behaved as non-functional in an in vivo, yeast-based growth rate assay (Delimitsou A et al. Hum. Mutat. 2019 05;40(5):631-648). In addition, this alteration was reported as functionally impaired in a study assessing CHEK2-complementation through quantification of KAP1 phosphorylation and CHK2 autophosphorylation in human RPE1-CHEK2-knockout cells (Stolarova L et al. Clin Cancer Res. 2023 Aug;29(16):3037-3050). The p.R474C variant has been shown to eliminate a salt bridge between the core kinase domain and the highly conserved activation loop, and is critical for stability and function of Ser/Thr kinases (Ambry internal analysis; Cai Z et al. Mol. Cell. 2009 Sep;35:818-29; Yang J et al. J. Mol. Biol. 2012 Jan;415:666-79). This amino acid position is highly conserved in available vertebrate species. In addition, this alteration is predicted to be deleterious by in silico analysis. Based on the majority of available evidence to date, this variant is likely to be pathogenic.

NM_007194.4(CHEK2):c.1420C>T (p.Arg474Cys)

Gene: CHEK2 (checkpoint kinase 2; minus strand). Cytogenetic location: 22q12.1.
Variant type: single nucleotide variant.
Coding change: c.1420C>T on transcript NM_007194.4 (MANE Select); coding-DNA position 1420, C replaced by T.
Protein change: p.Arg474Cys; replaces arginine 474 with cysteine.
Molecular consequence: missense variant.
Genome position (GRCh38, 1-based): chr22:28,694,073, G>A on the plus strand (C>T on the coding strand, the complement: CHEK2 is on the minus strand). VCF-style: chr22-28694073-G-A. GRCh37 (hg19) VCF-style: chr22-29090061-G-A.
Other names: p.R474C:CGT>TGT; c.1549C>T, p.Arg517Cys (NM_001005735.3); c.757C>T, p.Arg253Cys (NM_001257387.3); c.1219C>T, p.Arg407Cys (NM_001349956.3); c.1333C>T, p.Arg445Cys (NM_145862.3); short protein forms R474C, R253C, R445C, R407C, R517C.
Identifiers: ClinVar variation 128059 (VCV000128059.92), dbSNP rs540635787, ClinGen allele CA288280.